The following is an entry in ClinVar:

NM_001849.4(COL6A2):c.1969+1G>T

Gene: COL6A2 (collagen type VI alpha 2 chain; plus strand). Cytogenetic location: 21q22.3.
Variant type: single nucleotide variant.
Coding change: c.1969+1G>T on transcript NM_001849.4 (MANE Select); the canonical splice donor site of the intron after coding-DNA position 1969, G replaced by T.
Molecular consequence: splice donor variant.
Genome position (GRCh38, 1-based): chr21:46,125,618, G>T. VCF-style: chr21-46125618-G-T. GRCh37 (hg19) VCF-style: chr21-47545532-G-T.
Other names: c.1969+1G>T (NM_058175.3, NM_058174.3).
Identifiers: ClinVar variation 2841455 (VCV002841455.3), dbSNP rs2078651031, ClinGen allele CA410539304.

ClinVar aggregate classification (germline): Likely pathogenic (1 of 4 stars; one submission).

Conditions:
Bethlem myopathy 1A. Also called: Bethlem myopathy 1; MYOPATHY, BENIGN CONGENITAL, WITH CONTRACTURES; Bethlem Muscular Dystrophy. Identifiers: Orphanet 610, MedGen CN029274, MONDO:0024530, OMIM 158810.

Submission:

Labcorp Genetics (formerly Invitae), Labcorp
Classification: Likely pathogenic for Bethlem myopathy 1A. Last evaluated: 2025-05-15. Review status: criteria provided, single submitter. Criteria: Invitae Variant Classification Sherloc (09022015). Collection method: clinical testing. Allele origin: germline.
Comment: This sequence change affects a donor splice site in intron 25 of the COL6A2 gene. It is expected to disrupt RNA splicing. Variants that disrupt the donor or acceptor splice site typically lead to a loss of protein function (PMID: 16199547), and loss-of-function variants in COL6A2 are known to be pathogenic (PMID: 19884007, 20976770). This variant is not present in population databases (gnomAD no frequency). This variant has not been reported in the literature in individuals affected with COL6A2-related conditions. ClinVar contains an entry for this variant (Variation ID: 2841455). Algorithms developed to predict the effect of sequence changes on RNA splicing suggest that this variant may disrupt the consensus splice site. In summary, the currently available evidence indicates that the variant is pathogenic, but additional data are needed to prove that conclusively. Therefore, this variant has been classified as Likely Pathogenic.

Literature cited by the submitters: PubMed 16199547; PubMed 19884007; PubMed 20976770.